The following is an entry in ClinVar:

NM_003922.4(HERC1):c.8117C>T (p.Ser2706Leu)

Gene: HERC1 (HECT and RLD domain containing E3 ubiquitin protein ligase family member 1; minus strand). Cytogenetic location: 15q22.31.
Variant type: single nucleotide variant.
Coding change: c.8117C>T on transcript NM_003922.4 (MANE Select); coding-DNA position 8117, C replaced by T.
Protein change: p.Ser2706Leu; replaces serine 2706 with leucine.
Molecular consequence: missense variant.
Genome position (GRCh38, 1-based): chr15:63,669,627, G>A on the plus strand (C>T on the coding strand, the complement: HERC1 is on the minus strand). VCF-style: chr15-63669627-G-A. GRCh37 (hg19) VCF-style: chr15-63961826-G-A.
Other names: short protein forms S2706L.
Identifiers: ClinVar variation 3368880 (VCV003368880.2).

ClinVar aggregate classification (germline): Uncertain significance. Review status: criteria provided, multiple submitters, no conflicts (2 of 4 stars). 2 submissions from 2 submitters: Uncertain significance (2). Last evaluated 2025-04-20.

Conditions:
Inborn genetic diseases. Identifiers: MedGen C0950123, MeSH D030342.

gnomAD v4.1: 30 of 1,613,830 alleles (0.0019%); highest among the groups gnomAD compares: East Asian, 0.0022%; no homozygotes.

Submissions (2):

Ambry Genetics
Classification: Uncertain significance for Inborn genetic diseases. Last evaluated: 2025-04-20. Review status: criteria provided, single submitter. Criteria: Ambry Variant Classification Scheme 2023. Collection method: clinical testing. Allele origin: germline.

GeneDx
Classification: Uncertain significance. Last evaluated: 2024-02-07. Review status: criteria provided, single submitter. Criteria: GeneDx Variant Classification Process June 2021. Collection method: clinical testing. Allele origin: germline. Affected: yes.
Comment: Not observed at significant frequency in large population cohorts (gnomAD); In silico analysis supports that this missense variant does not alter protein structure/function; Has not been previously published as pathogenic or benign to our knowledge